The following is an entry in ClinVar:

ClinVar aggregate classification (germline): Uncertain significance. Review status: criteria provided, multiple submitters, no conflicts (2 of 4 stars). 2 submissions from 2 submitters: Uncertain significance (2). Last evaluated 2024-07-31.

Conditions:
Neuropathy, hereditary sensory, type 1F. Also called: Hereditary sensory neuropathy type IF; HSN IF. Identifiers: Orphanet 36386, MedGen C3810194, MONDO:0014286, OMIM 615632.

Submissions (2):

GeneDx
Classification: Uncertain significance. Last evaluated: 2024-07-31. Review status: criteria provided, single submitter. Criteria: GeneDx Variant Classification Process June 2021. Collection method: clinical testing. Allele origin: germline. Affected: yes.
Comment: Not observed at significant frequency in large population cohorts (gnomAD); In silico analysis indicates that this missense variant does not alter protein structure/function; Has not been previously published as pathogenic or benign to our knowledge

Labcorp Genetics (formerly Invitae), Labcorp
Classification: Uncertain significance for Neuropathy, hereditary sensory, type 1F. Last evaluated: 2024-02-25. Review status: criteria provided, single submitter. Criteria: Invitae Variant Classification Sherloc (09022015). Collection method: clinical testing. Allele origin: germline.
Comment: This sequence change replaces glutamic acid, which is acidic and polar, with aspartic acid, which is acidic and polar, at codon 199 of the ATL3 protein (p.Glu199Asp). This variant is not present in population databases (gnomAD no frequency). This variant has not been reported in the literature in individuals affected with ATL3-related conditions. Advanced modeling of protein sequence and biophysical properties (such as structural, functional, and spatial information, amino acid conservation, physicochemical variation, residue mobility, and thermodynamic stability) performed at Invitae indicates that this missense variant is not expected to disrupt ATL3 protein function with a negative predictive value of 80%. In summary, the available evidence is currently insufficient to determine the role of this variant in disease. Therefore, it has been classified as a Variant of Uncertain Significance.

NM_015459.5(ATL3):c.597A>C (p.Glu199Asp)

Genes: ATL3 (atlastin GTPase 3; minus strand), LNCROPM (lncRNA regulator of PLAAT3 mediated phospholipid metabolism; plus strand). Cytogenetic location: 11q13.1.
Variant type: single nucleotide variant.
Coding change: c.597A>C on transcript NM_015459.5 (MANE Select); coding-DNA position 597, A replaced by C.
Protein change: p.Glu199Asp; replaces glutamic acid 199 with aspartic acid.
Molecular consequence: missense variant.
Genome position (GRCh38, 1-based): chr11:63,646,528, T>G on the plus strand (A>C on the coding strand, the complement: ATL3 is on the minus strand). VCF-style: chr11-63646528-T-G. GRCh37 (hg19) VCF-style: chr11-63414000-T-G.
Other names: c.543A>C, p.Glu181Asp (NM_001290048.2); short protein forms E181D, E199D.
Identifiers: ClinVar variation 3602539 (VCV003602539.3).
Genomic context (GRCh38, chr11:63,646,528, plus strand): 5'-AACAAAGGTATGAATTATATTTAAAATAAATATTCTAACCTGGAAAGGCTTTTGGAAAAT[T>G]TCATCCATTGCCAGACGACCGTATTCTGTGAAGAGCTTTAAAAAAGAAGCATTATGGTTT-3'
Protein context (NP_056274.3, residues 189-209): FTEYGRLAMD[Glu199Asp]IFQKPFQTLM